The following is an entry in ClinVar:

ClinVar aggregate classification (germline): Uncertain significance (1 of 4 stars; one submission).

Conditions:
Alpha-N-acetylgalactosaminidase deficiency type 1. Also called: SCHINDLER DISEASE, TYPE I; ALPHA-N-ACETYLGALACTOSAMINIDASE DEFICIENCY, TYPE I; NAGA DEFICIENCY, TYPE I; NEUROAXONAL DYSTROPHY, SCHINDLER TYPE. Identifiers: Orphanet 3137, Orphanet 79279, Orphanet 79281, MedGen C1836544, MONDO:0012221, OMIM 609241.

gnomAD v4.1: 13 of 1,614,056 alleles (0.00081%); highest among the groups gnomAD compares: Non-Finnish European, 0.00093%; no homozygotes.

Submission:

Labcorp Genetics (formerly Invitae), Labcorp
Classification: Uncertain significance for Alpha-N-acetylgalactosaminidase deficiency type 1. Last evaluated: 2025-09-25. Review status: criteria provided, single submitter. Criteria: Invitae Variant Classification Sherloc (09022015). Collection method: clinical testing. Allele origin: germline.
Comment: This sequence change replaces leucine, which is neutral and non-polar, with proline, which is neutral and non-polar, at codon 16 of the NAGA protein (p.Leu16Pro). This variant is present in population databases (rs757815084, gnomAD 0.002%). This variant has not been reported in the literature in individuals affected with NAGA-related conditions. An algorithm developed to predict the effect of missense changes on protein structure and function (PolyPhen-2) suggests that this variant is likely to be disruptive. In summary, the available evidence is currently insufficient to determine the role of this variant in disease. Therefore, it has been classified as a Variant of Uncertain Significance.

NM_000262.3(NAGA):c.47T>C (p.Leu16Pro)

Genes: NAGA (alpha-N-acetylgalactosaminidase; minus strand), LOC126863160 (CDK7 strongly-dependent group 2 enhancer GRCh37_chr22:42462918-42464117; plus strand). Cytogenetic location: 22q13.2.
Variant type: single nucleotide variant.
Coding change: c.47T>C on transcript NM_000262.3 (MANE Select); coding-DNA position 47, T replaced by C.
Protein change: p.Leu16Pro; replaces leucine 16 with proline.
Molecular consequence: missense variant.
Genome position (GRCh38, 1-based): chr22:42,068,544, A>G on the plus strand (T>C on the coding strand, the complement: NAGA is on the minus strand). VCF-style: chr22-42068544-A-G. GRCh37 (hg19) VCF-style: chr22-42464548-A-G.
Other names: c.47T>C, p.Leu16Pro (NM_001362848.1, NM_001362850.1); short protein forms L16P.
Identifiers: ClinVar variation 4737495 (VCV004737495.1).